The following is an entry in ClinVar:

NM_003119.4(SPG7):c.782C>T (p.Thr261Met)

Gene: SPG7 (SPG7 matrix AAA peptidase subunit, paraplegin; plus strand). Cytogenetic location: 16q24.3.
Variant type: single nucleotide variant.
Coding change: c.782C>T on transcript NM_003119.4 (MANE Select); coding-DNA position 782, C replaced by T.
Protein change: p.Thr261Met; replaces threonine 261 with methionine.
Molecular consequence: missense variant.
Genome position (GRCh38, 1-based): chr16:89,529,500, C>T. VCF-style: chr16-89529500-C-T. GRCh37 (hg19) VCF-style: chr16-89595908-C-T.
Other names: p.T261M:ACG>ATG; c.782C>T, p.Thr261Met (NM_001363850.1, NM_199367.3); short protein forms T261M.
Identifiers: ClinVar variation 215207 (VCV000215207.54), dbSNP rs370949294, ClinGen allele CA322133.

ClinVar aggregate classification (germline): Uncertain significance. Review status: criteria provided, multiple submitters, no conflicts (2 of 4 stars). 6 submissions from 6 submitters: Uncertain significance (5). 1 of the submissions does not count toward it. Last evaluated 2026-03-01.

Conditions:
Inborn genetic diseases. Identifiers: MedGen C0950123, MeSH D030342.
Hereditary spastic paraplegia 7 (SPG7). Also called: SPG7-related neurologic disorder; Spastic paraplegia 7; Hereditary spastic paraplegia Paraplegin type; Autosomal recessive spastic paraplegia type 7; SPASTIC PARAPLEGIA 7, AUTOSOMAL RECESSIVE, WITH OR WITHOUT CEREBELLAR ATAXIA. Identifiers: Orphanet 99013, MedGen C1846564, MONDO:0011803, OMIM 607259.
SPG7-related disorder. Also called: SPG7-related condition.

Allele frequency attached by ClinVar (database versions not stated): ESP Exome Variant Server 0.00008; gnomAD exomes 0.00011; gnomAD 0.00014; TOPMed 0.00017.

Submissions (6):

CeGaT Center for Human Genetics Tuebingen
Classification: Uncertain significance. Last evaluated: 2026-03-01. Review status: criteria provided, single submitter. Criteria: CeGaT Center For Human Genetics Tuebingen Variant Classification Criteria Version 2. Collection method: clinical testing. Allele origin: germline. Affected: yes. Observed: 2 variant alleles.
Comment: SPG7: PM2

Labcorp Genetics (formerly Invitae), Labcorp
Classification: Uncertain significance for Hereditary spastic paraplegia 7. Last evaluated: 2025-09-26. Review status: criteria provided, single submitter. Criteria: Invitae Variant Classification Sherloc (09022015). Collection method: clinical testing. Allele origin: germline.
Comment: This sequence change replaces threonine, which is neutral and polar, with methionine, which is neutral and non-polar, at codon 261 of the SPG7 protein (p.Thr261Met). This variant is present in population databases (rs370949294, gnomAD 0.02%). This variant has not been reported in the literature in individuals affected with SPG7-related conditions. ClinVar contains an entry for this variant (Variation ID: 215207). Invitae Evidence Modeling of protein sequence and biophysical properties (such as structural, functional, and spatial information, amino acid conservation, physicochemical variation, residue mobility, and thermodynamic stability) indicates that this missense variant is not expected to disrupt SPG7 protein function with a negative predictive value of 80%. In summary, the available evidence is currently insufficient to determine the role of this variant in disease. Therefore, it has been classified as a Variant of Uncertain Significance.

GeneDx
Classification: Uncertain significance. Last evaluated: 2025-09-11. Review status: criteria provided, single submitter. Criteria: GeneDx Variant Classification Process June 2021. Collection method: clinical testing. Allele origin: germline. Affected: yes.
Comment: Located in the critical FtsH domain (PMID: 22571692); In silico analysis suggests that this missense variant does not alter protein structure/function; Has not been previously published as pathogenic or benign to our knowledge; This variant is associated with the following publications: (PMID: 22571692)

Blueprint Genetics
Classification: Uncertain significance. Last evaluated: 2023-12-29. Review status: criteria provided, single submitter. Criteria: ACMG Guidelines, 2015. Collection method: clinical testing. Allele origin: germline.

Ambry Genetics
Classification: Uncertain significance for Inborn genetic diseases. Last evaluated: 2021-07-14. Review status: criteria provided, single submitter. Criteria: Ambry Variant Classification Scheme 2023. Collection method: clinical testing. Allele origin: germline.

PreventionGenetics, part of Exact Sciences
Classification: Uncertain significance for SPG7-related condition. Last evaluated: 2024-06-25. Review status: no assertion criteria provided. Collection method: clinical testing. Allele origin: germline. Not counted in ClinVar's aggregate classification.
Comment: The SPG7 c.782C>T variant is predicted to result in the amino acid substitution p.Thr261Met. To our knowledge, this variant has not been reported in the literature. This variant is reported in 0.020% of alleles in individuals of African descent in gnomAD. At this time, the clinical significance of this variant is uncertain due to the absence of conclusive functional and genetic evidence.